The following is an entry in ClinVar:

ClinVar aggregate classification (germline): Uncertain significance. Review status: criteria provided, multiple submitters, no conflicts (2 of 4 stars). 2 submissions from 2 submitters: Uncertain significance (2). Last evaluated 2024-03-05.

Conditions:
Hereditary cancer-predisposing syndrome. Also called: Hereditary Cancer Syndrome; Tumor predisposition; Neoplastic Syndromes, Hereditary; Hereditary neoplastic syndrome. Identifiers: Orphanet 140162, MedGen C0027672, MeSH D009386, MONDO:0015356.
Gastrointestinal stromal tumor. Also called: Gastrointestinal stromal tumor, somatic; Gastrointestinal stroma tumor. Identifiers: Orphanet 44890, MedGen C0238198, MeSH D046152, MONDO:0011719, OMIM 606764, HP:0100723.

Submissions (2):

Ambry Genetics
Classification: Uncertain significance for Hereditary cancer-predisposing syndrome. Last evaluated: 2024-03-05. Review status: criteria provided, single submitter. Criteria: Ambry Variant Classification Scheme 2023. Collection method: clinical testing. Allele origin: germline.
Comment: The p.D45N variant (also known as c.133G>A), located in coding exon 2 of the KIT gene, results from a G to A substitution at nucleotide position 133. The aspartic acid at codon 45 is replaced by asparagine, an amino acid with highly similar properties. This amino acid position is conserved. In addition, this alteration is predicted to be tolerated by in silico analysis. Based on the available evidence, the clinical significance of this alteration remains unclear.

Labcorp Genetics (formerly Invitae), Labcorp
Classification: Uncertain significance for Gastrointestinal stromal tumor. Last evaluated: 2021-10-06. Review status: criteria provided, single submitter. Criteria: Invitae Variant Classification Sherloc (09022015). Collection method: clinical testing. Allele origin: germline.
Comment: This sequence change replaces aspartic acid with asparagine at codon 45 of the KIT protein (p.Asp45Asn). The aspartic acid residue is weakly conserved and there is a small physicochemical difference between aspartic acid and asparagine. In summary, the available evidence is currently insufficient to determine the role of this variant in disease. Therefore, it has been classified as a Variant of Uncertain Significance. Algorithms developed to predict the effect of missense changes on protein structure and function (SIFT, PolyPhen-2, Align-GVGD) all suggest that this variant is likely to be tolerated. This variant has not been reported in the literature in individuals affected with KIT-related conditions. This variant is not present in population databases (ExAC no frequency).

NM_000222.3(KIT):c.133G>A (p.Asp45Asn)

Gene: KIT (KIT proto-oncogene, receptor tyrosine kinase; plus strand). Cytogenetic location: 4q12.
Variant type: single nucleotide variant.
Coding change: c.133G>A on transcript NM_000222.3 (MANE Select); coding-DNA position 133, G replaced by A.
Protein change: p.Asp45Asn; replaces aspartic acid 45 with asparagine.
Molecular consequence: missense variant.
Genome position (GRCh38, 1-based): chr4:54,695,577, G>A. VCF-style: chr4-54695577-G-A. GRCh37 (hg19) VCF-style: chr4-55561743-G-A.
Other names: c.133G>A, p.Asp45Asn (NM_001093772.2, NM_001385284.1, NM_001385285.1 and 4 more transcripts); short protein forms D45N.
Identifiers: ClinVar variation 575675 (VCV000575675.8), dbSNP rs1560393232, ClinGen allele CA356896906.